The following is an entry in ClinVar:

NM_001002916.5(H2BW1):c.329C>T (p.Thr110Ile)

Gene: H2BW1 (H2B.W histone 1; minus strand). Cytogenetic location: Xq22.2.
Variant type: single nucleotide variant.
Coding change: c.329C>T on transcript NM_001002916.5 (MANE Select); coding-DNA position 329, C replaced by T.
Protein change: p.Thr110Ile; replaces threonine 110 with isoleucine.
Molecular consequence: missense variant.
Genome position (GRCh38, 1-based): chrX:104,013,248, G>A on the plus strand (C>T on the coding strand, the complement: H2BW1 is on the minus strand). VCF-style: chrX-104013248-G-A. GRCh37 (hg19) VCF-style: chrX-103267820-G-A.
Other names: short protein forms T110I.
Identifiers: ClinVar variation 3054095 (VCV003054095.2), dbSNP rs143738688, ClinGen allele CA10479226.

ClinVar aggregate classification (germline): Likely benign (0 of 4 stars; one submission).

Conditions:
H2BW1-related disorder. Also called: H2BW1-related condition.

Allele frequency attached by ClinVar (database versions not stated): ESP Exome Variant Server 0.00095; ExAC 0.00187.
gnomAD v4.1: 1,298 of 1,210,664 alleles (0.11%); highest among the groups gnomAD compares: Non-Finnish European, 0.12%; 1 homozygote.

Submission:

PreventionGenetics, part of Exact Sciences
Classification: Likely benign for H2BW1-related condition. Last evaluated: 2022-04-28. Review status: no assertion criteria provided. Collection method: clinical testing. Allele origin: germline.
Comment: This variant is classified as likely benign based on ACMG/AMP sequence variant interpretation guidelines (Richards et al. 2015 PMID: 25741868, with internal and published modifications).